The following is an entry in ClinVar:

ClinVar aggregate classification (germline): Uncertain significance (1 of 4 stars; one submission).

Allele frequency attached by ClinVar (database versions not stated): gnomAD exomes below 0.00001; gnomAD 0.00001.
gnomAD v4.1: 3 of 1,613,994 alleles (0.00019%); highest among the groups gnomAD compares: Non-Finnish European, 0.00025%; no homozygotes.

Submission:

Labcorp Genetics (formerly Invitae), Labcorp
Classification: Uncertain significance. Last evaluated: 2021-05-01. Review status: criteria provided, single submitter. Criteria: Invitae Variant Classification Sherloc (09022015). Collection method: clinical testing. Allele origin: germline.
Comment: In summary, the available evidence is currently insufficient to determine the role of this variant in disease. Therefore, it has been classified as a Variant of Uncertain Significance. Algorithms developed to predict the effect of missense changes on protein structure and function are either unavailable or do not agree on the potential impact of this missense change (SIFT: "Deleterious"; PolyPhen-2: "Possibly Damaging"; Align-GVGD: "Class C0"). This variant has not been reported in the literature in individuals with ALPK3-related conditions. This variant is not present in population databases (ExAC no frequency). This sequence change replaces arginine with histidine at codon 396 of the ALPK3 protein (p.Arg396His). The arginine residue is moderately conserved and there is a small physicochemical difference between arginine and histidine.

NM_020778.5(ALPK3):c.581G>A (p.Arg194His)

Gene: ALPK3 (alpha kinase 3; plus strand). Cytogenetic location: 15q25.3.
Variant type: single nucleotide variant.
Coding change: c.581G>A on transcript NM_020778.5 (MANE Select); coding-DNA position 581, G replaced by A.
Protein change: p.Arg194His; replaces arginine 194 with histidine.
Molecular consequence: missense variant.
Genome position (GRCh38, 1-based): chr15:84,839,860, G>A. VCF-style: chr15-84839860-G-A. GRCh37 (hg19) VCF-style: chr15-85383091-G-A.
Other names: short protein forms R194H.
Identifiers: ClinVar variation 1350548 (VCV001350548.8), dbSNP rs1459767585, ClinGen allele CA393372964.